The following is an entry in ClinVar:

ClinVar aggregate classification (germline): Pathogenic (1 of 4 stars; one submission).

Conditions:
Severe X-linked myotubular myopathy (CNMX). Also called: Myotubular myopathy, X-linked; MYOTUBULAR MYOPATHY 1; X-linked centronuclear myopathy. Identifiers: Orphanet 596, MedGen C0410203, MONDO:0010683, OMIM 310400.

Submission:

Labcorp Genetics (formerly Invitae), Labcorp
Classification: Pathogenic for Severe X-linked myotubular myopathy. Last evaluated: 2022-08-16. Review status: criteria provided, single submitter. Criteria: Invitae Variant Classification Sherloc (09022015). Collection method: clinical testing. Allele origin: germline.
Comment: For these reasons, this variant has been classified as Pathogenic. Algorithms developed to predict the effect of sequence changes on RNA splicing suggest that this variant may create or strengthen a splice site. ClinVar contains an entry for this variant (Variation ID: 1379211). This premature translational stop signal has been observed in individual(s) with MTM1-related disease (PMID: 28685322). This variant is not present in population databases (gnomAD no frequency). This sequence change creates a premature translational stop signal (p.Trp183*) in the MTM1 gene. It is expected to result in an absent or disrupted protein product. Loss-of-function variants in MTM1 are known to be pathogenic (PMID: 9305655, 10063835).

Literature cited by the submitters: PubMed 28685322; PubMed 9305655; PubMed 10063835.

NM_000252.3(MTM1):c.548G>A (p.Trp183Ter)

Gene: MTM1 (myotubularin 1; plus strand). Cytogenetic location: Xq28.
Variant type: single nucleotide variant.
Coding change: c.548G>A on transcript NM_000252.3 (MANE Select); coding-DNA position 548, G replaced by A.
Protein change: p.Trp183Ter; replaces tryptophan 183 with a stop codon.
Molecular consequence: nonsense.
Genome position (GRCh38, 1-based): chrX:150,641,288, G>A. VCF-style: chrX-150641288-G-A. GRCh37 (hg19) VCF-style: chrX-149809761-G-A.
Other names: c.548G>A, p.Trp183Ter (NM_001376906.1, NM_001376908.1); c.437G>A, p.Trp146Ter (NM_001376907.1); short protein forms W183*, W146*.
Identifiers: ClinVar variation 1379211 (VCV001379211.6), dbSNP rs2148488410, ClinGen allele CA415255986.